The following is an entry in ClinVar:

ClinVar aggregate classification (germline): Uncertain significance. Review status: criteria provided, multiple submitters, no conflicts (2 of 4 stars). 2 submissions from 2 submitters: Uncertain significance (2). Last evaluated 2024-11-17.

Conditions:
Hereditary pancreatitis (PCTT). Also called: PRSS1-Related Hereditary Pancreatitis; Hereditary chronic pancreatitis. Identifiers: Orphanet 676, MedGen C0238339, MONDO:0008185, OMIM 167800.

Allele frequency attached by ClinVar (database versions not stated): TOPMed below 0.00001; ExAC 0.00001; gnomAD exomes 0.00001.
gnomAD v4.1: 4 of 1,373,674 alleles (0.00029%); highest among the groups gnomAD compares: Non-Finnish European, 0.00039%; no homozygotes.

Submissions (2):

Ambry Genetics
Classification: Uncertain significance for Hereditary pancreatitis. Last evaluated: 2024-11-17. Review status: criteria provided, single submitter. Criteria: Ambry Variant Classification Scheme 2023. Collection method: clinical testing. Allele origin: germline.
Comment: The p.P20S variant (also known as c.58C>T), located in coding exon 2 of the CTRC gene, results from a C to T substitution at nucleotide position 58. The proline at codon 20 is replaced by serine, an amino acid with similar properties. This amino acid position is conserved. In addition, the in silico prediction for this alteration is inconclusive. Since supporting evidence is limited at this time, the clinical significance of this alteration remains unclear.

Labcorp Genetics (formerly Invitae), Labcorp
Classification: Uncertain significance for Hereditary pancreatitis. Last evaluated: 2019-12-14. Review status: criteria provided, single submitter. Criteria: Invitae Variant Classification Sherloc (09022015). Collection method: clinical testing. Allele origin: germline.
Comment: This sequence change replaces proline with serine at codon 20 of the CTRC protein (p.Pro20Ser). The proline residue is highly conserved and there is a moderate physicochemical difference between proline and serine. In summary, the available evidence is currently insufficient to determine the role of this variant in disease. Therefore, it has been classified as a Variant of Uncertain Significance. Algorithms developed to predict the effect of missense changes on protein structure and function are either unavailable or do not agree on the potential impact of this missense change (SIFT: "Deleterious"; PolyPhen-2: "Benign"; Align-GVGD: "Class C0"). This variant is present in population databases (rs757630885, ExAC 0.002%). This variant has not been reported in the literature in individuals with CTRC-related conditions.

NM_007272.3(CTRC):c.58C>T (p.Pro20Ser)

Gene: CTRC (chymotrypsin C; plus strand). Cytogenetic location: 1p36.21.
Variant type: single nucleotide variant.
Coding change: c.58C>T on transcript NM_007272.3 (MANE Select); coding-DNA position 58, C replaced by T.
Protein change: p.Pro20Ser; replaces proline 20 with serine.
Molecular consequence: missense variant.
Genome position (GRCh38, 1-based): chr1:15,440,317, C>T. VCF-style: chr1-15440317-C-T. GRCh37 (hg19) VCF-style: chr1-15766813-C-T.
Other names: short protein forms P20S.
Identifiers: ClinVar variation 834628 (VCV000834628.12), dbSNP rs757630885, ClinGen allele CA613205.